The following is an entry in ClinVar:

NM_000530.8(MPZ):c.244T>C (p.Tyr82His)

Gene: MPZ (myelin protein zero; minus strand). Cytogenetic location: 1q23.3.
Variant type: single nucleotide variant.
Coding change: c.244T>C on transcript NM_000530.8 (MANE Select); coding-DNA position 244, T replaced by C.
Protein change: p.Tyr82His; replaces tyrosine 82 with histidine.
Molecular consequence: missense variant.
Genome position (GRCh38, 1-based): chr1:161,306,912, A>G on the plus strand (T>C on the coding strand, the complement: MPZ is on the minus strand). VCF-style: chr1-161306912-A-G. GRCh37 (hg19) VCF-style: chr1-161276702-A-G.
Other names: c.244T>C, p.Tyr82His (LRG_256t1, NM_001315491.2); short protein forms Y82H.
Identifiers: ClinVar variation 41017 (VCV000041017.43), dbSNP rs281865124, ClinGen allele CA343897.

ClinVar aggregate classification (germline): Pathogenic/Likely pathogenic. Review status: criteria provided, multiple submitters, no conflicts (2 of 4 stars). 9 submissions from 8 submitters: Pathogenic (2); Likely pathogenic (3). 4 of the submissions do not count toward it. Last evaluated 2023-10-23.

Conditions:
Charcot-Marie-Tooth disease. Also called: Charcot-Marie-Tooth Neuropathy; Charcot-Marie-Tooth Hereditary Neuropathy. Identifiers: Orphanet 166, MedGen C0007959, MONDO:0015626.
Charcot-Marie-Tooth disease, type I (CMT1). Also called: Charcot-Marie-Tooth, Type 1; Charcot-Marie-Tooth disease type 1. Identifiers: Orphanet 65753, MedGen C0751036, MONDO:0019011.
Charcot-Marie-Tooth disease dominant intermediate D. Also called: CHARCOT-MARIE-TOOTH NEUROPATHY, DOMINANT INTERMEDIATE D; Charcot-Marie-Tooth disease dominant intermediate 3; CMT DI3. Identifiers: Orphanet 100046, MedGen C1843075, MONDO:0011909, OMIM 607791.
Charcot-Marie-Tooth disease type 2I (CMT2I). Also called: CHARCOT-MARIE-TOOTH DISEASE, AXONAL, TYPE 2I. Identifiers: Orphanet 99942, MedGen C3888087, MONDO:0011889, OMIM 607677.
Charcot-Marie-Tooth disease type 1B. Also called: HEREDITARY MOTOR AND SENSORY NEUROPATHY I; HEREDITARY MOTOR AND SENSORY NEUROPATHY IB; CHARCOT-MARIE-TOOTH DISEASE, AUTOSOMAL DOMINANT, WITH FOCALLY FOLDED MYELIN SHEATHS, TYPE 1B; CHARCOT-MARIE-TOOTH DISEASE, SLOW NERVE CONDUCTION TYPE, LINKED TO DUFFY; CHARCOT-MARIE-TOOTH NEUROPATHY, TYPE 1B; Charcot-Marie-Tooth disease, demyelinating, type 1b. Identifiers: Orphanet 101082, MedGen C0270912, MONDO:0007307, OMIM 118200.

Submissions (9):

Human Genetics Bochum, Ruhr University Bochum
Classification: Likely pathogenic. Last evaluated: 2023-10-23. Review status: criteria provided, single submitter. Criteria: ACMG Guidelines, 2015. Collection method: clinical testing. Allele origin: germline. Affected: yes.
Comment: ACMG criteria used to clasify this variant: PS4_MOD, PM5, PM2_SUP, PP1, PP3

Labcorp Genetics (formerly Invitae), Labcorp
Classification: Pathogenic for Charcot-Marie-Tooth disease, type I. Last evaluated: 2023-01-24. Review status: criteria provided, single submitter. Criteria: Invitae Variant Classification Sherloc (09022015). Collection method: clinical testing. Allele origin: germline.
Comment: ClinVar contains an entry for this variant (Variation ID: 41017). Algorithms developed to predict the effect of missense changes on protein structure and function (SIFT, PolyPhen-2, Align-GVGD) all suggest that this variant is likely to be disruptive. This variant disrupts the p.Tyr82 amino acid residue in MPZ. Other variant(s) that disrupt this residue have been determined to be pathogenic (PMID: 7505151, 9633821, 12402337, 25429913). This suggests that this residue is clinically significant, and that variants that disrupt this residue are likely to be disease-causing. For these reasons, this variant has been classified as Pathogenic. This missense change has been observed in individual(s) with late onset axonal Charcot-Marie-Tooth disease (PMID: 16543539). It has also been observed to segregate with disease in related individuals. This sequence change replaces tyrosine, which is neutral and polar, with histidine, which is basic and polar, at codon 82 of the MPZ protein (p.Tyr82His). This variant is not present in population databases (gnomAD no frequency).

CeGaT Center for Human Genetics Tuebingen
Classification: Pathogenic. Last evaluated: 2022-08-01. Review status: criteria provided, single submitter. Criteria: CeGaT Center For Human Genetics Tuebingen Variant Classification Criteria Version 2. Collection method: clinical testing. Allele origin: germline. Affected: yes. Observed: 1 variant allele.
Comment: MPZ: PP1:Strong, PM2, PM5, PS4:Moderate

Institute of Human Genetics, University Hospital of Duesseldorf
Classification: Likely pathogenic for Charcot-Marie-Tooth disease dominant intermediate D. Review status: criteria provided, single submitter. Criteria: ACMG Guidelines, 2015. Collection method: not provided. Allele origin: germline. Inheritance: Autosomal dominant inheritance. Affected: yes.

Institute of Human Genetics, University Hospital of Duesseldorf
Classification: Likely pathogenic for Charcot-Marie-Tooth disease type 2I. Review status: criteria provided, single submitter. Criteria: ACMG Guidelines, 2015. Collection method: not provided. Allele origin: germline. Inheritance: Autosomal dominant inheritance. Affected: yes.

Clinical Genetics, Academic Medical Center
Classification: Pathogenic. Review status: no assertion criteria provided. Collection method: clinical testing. Allele origin: germline. Affected: yes. Study: VKGL Data-share Consensus. Not counted in ClinVar's aggregate classification.

GeneReviews
No classification provided. Condition: Charcot-Marie-Tooth disease type 1B. Review status: no classification provided. Collection method: literature only. Allele origin: germline. Affected: yes. Not counted in ClinVar's aggregate classification.

Inherited Neuropathy Consortium
Classification: Uncertain significance for Charcot-Marie-Tooth disease. Review status: no assertion criteria provided. Collection method: literature only. Allele origin: germline. Affected: yes. Not counted in ClinVar's aggregate classification.

Joint Genome Diagnostic Labs from Nijmegen and Maastricht, Radboudumc and MUMC+
Classification: Likely pathogenic. Review status: no assertion criteria provided. Collection method: clinical testing. Allele origin: germline. Affected: yes. Study: VKGL Data-share Consensus. Not counted in ClinVar's aggregate classification.

Literature cited by the submitters: PubMed 7505151 (cited by Labcorp Genetics (formerly Invitae), Labcorp); PubMed 9633821 (cited by Labcorp Genetics (formerly Invitae), Labcorp); PubMed 12402337 (cited by Labcorp Genetics (formerly Invitae), Labcorp); PubMed 25429913 (cited by Labcorp Genetics (formerly Invitae), Labcorp); PubMed 16543539 (cited by Labcorp Genetics (formerly Invitae), Labcorp and Inherited Neuropathy Consortium); NCBI Bookshelf NBK1205 (cited by GeneReviews).